The following is an entry in ClinVar:

NC_000002.12:g.38962849C>A

Genes: ARHGEF33 (Rho guanine nucleotide exchange factor 33; plus strand), SOS1 (SOS Ras/Rac guanine nucleotide exchange factor 1; minus strand). Cytogenetic location: 2p22.1.
Variant type: single nucleotide variant.
Molecular consequence: intron variant (on NM_001145451.5).
Genome position: GRCh38 VCF-style: chr2-38962849-C-A. GRCh37 (hg19) VCF-style: chr2-39189990-C-A.
Other names: c.2343+2201C>A (NM_001367623.3, NM_001145451.5).
Identifiers: ClinVar variation 3025206 (VCV003025206.22), dbSNP rs866921635, ClinGen allele CA45655358.

ClinVar aggregate classification (germline): Likely benign (1 of 4 stars; one submission).

Allele frequency attached by ClinVar (database versions not stated): gnomAD 0.00186.
gnomAD v4.1: 107 of 56,112 alleles (0.19%); highest among the groups gnomAD compares: South Asian, 0.68%; no homozygotes.

Submission:

CeGaT Center for Human Genetics Tuebingen
Classification: Likely benign. Last evaluated: 2024-08-01. Review status: criteria provided, single submitter. Criteria: CeGaT Center For Human Genetics Tuebingen Variant Classification Criteria Version 2. Collection method: clinical testing. Allele origin: germline. Affected: yes. Observed: 10 variant alleles.
Comment: SOS1: BS1